The following is an entry in ClinVar:

ClinVar aggregate classification (germline): Uncertain significance. Review status: criteria provided, single submitter (1 of 4 stars). 2 submissions from 2 submitters: Uncertain significance (1). 1 of the submissions does not count toward it. Last evaluated 2025-12-08.

Conditions:
Fanconi anemia (FA). Also called: Fanconi's anemia. Identifiers: Orphanet 84, MedGen C0015625, MeSH D005199, MONDO:0019391.

gnomAD v4.1: 15 of 1,493,100 alleles (0.001%); highest among the groups gnomAD compares: East Asian, 0.039%; no homozygotes.

Submissions (2):

Labcorp Genetics (formerly Invitae), Labcorp
Classification: Uncertain significance for Fanconi anemia. Last evaluated: 2025-12-08. Review status: criteria provided, single submitter. Criteria: Invitae Variant Classification Sherloc (09022015). Collection method: clinical testing. Allele origin: germline.
Comment: This sequence change falls in intron 1 of the FANCA gene. It does not directly change the encoded amino acid sequence of the FANCA protein. It affects a nucleotide within the consensus splice site. This variant is not present in population databases (gnomAD no frequency). This variant has not been reported in the literature in individuals affected with FANCA-related conditions. ClinVar contains an entry for this variant (Variation ID: 1017098). Variants that disrupt the consensus splice site are a relatively common cause of aberrant splicing (PMID: 17576681, 9536098). Algorithms developed to predict the effect of sequence changes on RNA splicing suggest that this variant is not likely to affect RNA splicing. In summary, the available evidence is currently insufficient to determine the role of this variant in disease. Therefore, it has been classified as a Variant of Uncertain Significance.

Natera, Inc.
Classification: Uncertain significance for Fanconi anemia. Last evaluated: 2020-01-17. Review status: no assertion criteria provided. Collection method: clinical testing. Allele origin: germline. Not counted in ClinVar's aggregate classification.

Literature cited by the submitters: PubMed 17576681 (cited by Labcorp Genetics (formerly Invitae), Labcorp); PubMed 9536098 (cited by Labcorp Genetics (formerly Invitae), Labcorp).

NM_000135.4(FANCA):c.79+4G>A

Genes: FANCA (FA complementation group A; minus strand), LOC112486223 (Sharpr-MPRA regulatory region 3988; plus strand). Cytogenetic location: 16q24.3.
Variant type: single nucleotide variant.
Coding change: c.79+4G>A on transcript NM_000135.4 (MANE Select); 4 bases into the intron after coding-DNA position 79, G replaced by A.
Molecular consequence: intron variant.
Genome position (GRCh38, 1-based): chr16:89,816,533, C>T on the plus strand (G>A on the coding strand, the complement: FANCA is on the minus strand). VCF-style: chr16-89816533-C-T. GRCh37 (hg19) VCF-style: chr16-89882941-C-T.
Other names: c.79+4G>A (NM_001286167.3, NM_001351830.2, NM_001018112.3).
Identifiers: ClinVar variation 1017098 (VCV001017098.6), dbSNP rs2041136967, ClinGen allele CA2241943104.